The following is an entry in ClinVar:

NM_001080449.3(DNA2):c.1228G>A (p.Glu410Lys)

Gene: DNA2 (DNA replication helicase/nuclease 2; minus strand). Cytogenetic location: 10q21.3.
Variant type: single nucleotide variant.
Coding change: c.1228G>A on transcript NM_001080449.3 (MANE Select); coding-DNA position 1228, G replaced by A.
Protein change: p.Glu410Lys; replaces glutamic acid 410 with lysine.
Molecular consequence: missense variant. On other transcripts: non-coding transcript variant (1).
Genome position (GRCh38, 1-based): chr10:68,443,104, C>T on the plus strand (G>A on the coding strand, the complement: DNA2 is on the minus strand). VCF-style: chr10-68443104-C-T. GRCh37 (hg19) VCF-style: chr10-70202861-C-T.
Other names: short protein forms E410K.
Identifiers: ClinVar variation 1961591 (VCV001961591.5), dbSNP rs867948350, ClinGen allele CA376862273.

ClinVar aggregate classification (germline): Uncertain significance (1 of 4 stars; one submission).

gnomAD v4.1: 29 of 1,562,386 alleles (0.0019%); highest among the groups gnomAD compares: Non-Finnish European, 0.0025%; no homozygotes.

Submission:

Labcorp Genetics (formerly Invitae), Labcorp
Classification: Uncertain significance. Last evaluated: 2024-10-15. Review status: criteria provided, single submitter. Criteria: Invitae Variant Classification Sherloc (09022015). Collection method: clinical testing. Allele origin: germline.
Comment: This sequence change replaces glutamic acid, which is acidic and polar, with lysine, which is basic and polar, at codon 410 of the DNA2 protein (p.Glu410Lys). This variant is not present in population databases (gnomAD no frequency). This variant has not been reported in the literature in individuals affected with DNA2-related conditions. ClinVar contains an entry for this variant (Variation ID: 1961591). Invitae Evidence Modeling of protein sequence and biophysical properties (such as structural, functional, and spatial information, amino acid conservation, physicochemical variation, residue mobility, and thermodynamic stability) indicates that this missense variant is expected to disrupt DNA2 protein function with a positive predictive value of 80%. Algorithms developed to predict the effect of sequence changes on RNA splicing suggest that this variant may disrupt the consensus splice site. In summary, the available evidence is currently insufficient to determine the role of this variant in disease. Therefore, it has been classified as a Variant of Uncertain Significance.